The following is an entry in ClinVar:

NM_170606.3(KMT2C):c.12262C>T (p.Pro4088Ser)

Gene: KMT2C (lysine methyltransferase 2C; minus strand). Cytogenetic location: 7q36.1.
Variant type: single nucleotide variant.
Coding change: c.12262C>T on transcript NM_170606.3 (MANE Select); coding-DNA position 12262, C replaced by T.
Protein change: p.Pro4088Ser; replaces proline 4088 with serine.
Molecular consequence: missense variant.
Genome position (GRCh38, 1-based): chr7:152,154,024, G>A on the plus strand (C>T on the coding strand, the complement: KMT2C is on the minus strand). VCF-style: chr7-152154024-G-A. GRCh37 (hg19) VCF-style: chr7-151851109-G-A.
Other names: short protein forms P4088S.
Identifiers: ClinVar variation 3776601 (VCV003776601.1).

ClinVar aggregate classification (germline): Uncertain significance (1 of 4 stars; one submission).

gnomAD v4.1: 1 of 1,613,834 alleles (0.000062%); highest among the groups gnomAD compares: Non-Finnish European, 0.000085%; no homozygotes.

Submission:

GeneDx
Classification: Uncertain significance. Last evaluated: 2024-10-04. Review status: criteria provided, single submitter. Criteria: GeneDx Variant Classification Process June 2021. Collection method: clinical testing. Allele origin: germline. Affected: yes.
Comment: Not observed at significant frequency in large population cohorts (gnomAD); In silico analysis supports that this missense variant has a deleterious effect on protein structure/function; Has not been previously published as pathogenic or benign to our knowledge